The following is an entry in ClinVar:

NM_021831.6(AGBL5):c.1671+1G>T

Gene: AGBL5 (AGBL carboxypeptidase 5; plus strand). Cytogenetic location: 2p23.3.
Variant type: single nucleotide variant.
Coding change: c.1671+1G>T on transcript NM_021831.6 (MANE Select); the canonical splice donor site of the intron after coding-DNA position 1671, G replaced by T.
Molecular consequence: splice donor variant.
Genome position (GRCh38, 1-based): chr2:27,057,439, G>T. VCF-style: chr2-27057439-G-T. GRCh37 (hg19) VCF-style: chr2-27280307-G-T.
Other names: c.1671+1G>T (NM_001035507.3).
Identifiers: ClinVar variation 2114496 (VCV002114496.4), dbSNP rs1215478084, ClinGen allele CA346184576.

ClinVar aggregate classification (germline): Likely pathogenic (1 of 4 stars; one submission).

gnomAD v4.1: 1 of 1,604,040 alleles (0.000062%); highest among the groups gnomAD compares: Non-Finnish European, 0.000085%; no homozygotes.

Submission:

Labcorp Genetics (formerly Invitae), Labcorp
Classification: Likely pathogenic. Last evaluated: 2024-02-24. Review status: criteria provided, single submitter. Criteria: Invitae Variant Classification Sherloc (09022015). Collection method: clinical testing. Allele origin: germline.
Comment: This sequence change affects a donor splice site in intron 9 of the AGBL5 gene. It is expected to disrupt RNA splicing. Variants that disrupt the donor or acceptor splice site typically lead to a loss of protein function (PMID: 16199547), and loss-of-function variants in AGBL5 are known to be pathogenic (PMID: 27764769, 27842159). This variant is not present in population databases (gnomAD no frequency). Disruption of this splice site has been observed in individual(s) with clinical features of retinitis pigmentosa (Invitae). ClinVar contains an entry for this variant (Variation ID: 2114496). Algorithms developed to predict the effect of sequence changes on RNA splicing suggest that this variant may disrupt the consensus splice site. In summary, the currently available evidence indicates that the variant is pathogenic, but additional data are needed to prove that conclusively. Therefore, this variant has been classified as Likely Pathogenic.

Literature cited by the submitters: PubMed 16199547; PubMed 27764769; PubMed 27842159.